The following is an entry in ClinVar:

NM_000026.4(ADSL):c.1051A>G (p.Ile351Val)

Gene: ADSL (adenylosuccinate lyase; plus strand). Cytogenetic location: 22q13.1.
Variant type: single nucleotide variant.
Coding change: c.1051A>G on transcript NM_000026.4 (MANE Select); coding-DNA position 1051, A replaced by G.
Protein change: p.Ile351Val; replaces isoleucine 351 with valine.
Molecular consequence: missense variant. On other transcripts: non-coding transcript variant (1).
Genome position (GRCh38, 1-based): chr22:40,363,021, A>G. VCF-style: chr22-40363021-A-G. GRCh37 (hg19) VCF-style: chr22-40759025-A-G.
Other names: c.1051A>G, p.Ile351Val (NM_001123378.3, NM_001363840.3); c.859A>G, p.Ile287Val (NM_001317923.2); short protein forms I287V, I351V.
Identifiers: ClinVar variation 1053756 (VCV001053756.7), dbSNP rs2146667776, ClinGen allele CA411645757.

ClinVar aggregate classification (germline): Uncertain significance (1 of 4 stars; one submission).

Conditions:
Adenylosuccinate lyase deficiency (ADSLD). Also called: ADSL DEFICIENCY. Identifiers: Orphanet 46, MedGen C0268126, MONDO:0007068, OMIM 103050.

Allele frequency attached by ClinVar (database versions not stated): gnomAD exomes below 0.00001.
gnomAD v4.1: 1 of 1,614,212 alleles (0.000062%); highest among the groups gnomAD compares: Non-Finnish European, 0.000085%; no homozygotes.

Submission:

Labcorp Genetics (formerly Invitae), Labcorp
Classification: Uncertain significance for Adenylosuccinate lyase deficiency. Last evaluated: 2020-03-23. Review status: criteria provided, single submitter. Criteria: Invitae Variant Classification Sherloc (09022015). Collection method: clinical testing. Allele origin: germline.
Comment: In summary, the available evidence is currently insufficient to determine the role of this variant in disease. Therefore, it has been classified as a Variant of Uncertain Significance. Algorithms developed to predict the effect of missense changes on protein structure and function output the following: SIFT: "Tolerated"; PolyPhen-2: "Benign"; Align-GVGD: "Class C0". The valine amino acid residue is found in multiple mammalian species, suggesting that this missense change does not adversely affect protein function. These predictions have not been confirmed by published functional studies and their clinical significance is uncertain. This variant has not been reported in the literature in individuals with ADSL-related conditions. This variant is not present in population databases (ExAC no frequency). This sequence change replaces isoleucine with valine at codon 351 of the ADSL protein (p.Ile351Val). The isoleucine residue is moderately conserved and there is a small physicochemical difference between isoleucine and valine.